The following is an entry in ClinVar:

NM_018062.4(FANCL):c.365G>T (p.Gly122Val)

Gene: FANCL (FA complementation group L; minus strand). Cytogenetic location: 2p16.1.
Variant type: single nucleotide variant.
Coding change: c.365G>T on transcript NM_018062.4 (MANE Select); coding-DNA position 365, G replaced by T.
Protein change: p.Gly122Val; replaces glycine 122 with valine.
Molecular consequence: missense variant.
Genome position (GRCh38, 1-based): chr2:58,221,951, C>A on the plus strand (G>T on the coding strand, the complement: FANCL is on the minus strand). VCF-style: chr2-58221951-C-A. GRCh37 (hg19) VCF-style: chr2-58449086-C-A.
Other names: c.365G>T, p.Gly122Val (NM_001114636.2, NM_001374615.1, NM_001410792.1); short protein forms G122V.
Identifiers: ClinVar variation 1509815 (VCV001509815.8), dbSNP rs2103752402, ClinGen allele CA347034390.
Genomic context (GRCh38, chr2:58,221,951, plus strand): 5'-TTAAAATATATAAAACAAAGGCATTTAAAACATATTTTAAAACAGACATACTTATCCCAA[C>A]CAAGAGTTCCTATCTCTTCAATAAGGCTTGAGTAGAACTGGGGAGGAGGAGGTAGTGCAT-3'
Protein context (NP_060532.2, residues 112-132): SSLIEEIGTL[Gly122Val]WDKLVYADTC

ClinVar aggregate classification (germline): Uncertain significance (1 of 4 stars; one submission).

Conditions:
Fanconi anemia (FA). Also called: Fanconi's anemia. Identifiers: Orphanet 84, MedGen C0015625, MeSH D005199, MONDO:0019391.

Submission:

Labcorp Genetics (formerly Invitae), Labcorp
Classification: Uncertain significance for Fanconi anemia. Last evaluated: 2021-06-03. Review status: criteria provided, single submitter. Criteria: Invitae Variant Classification Sherloc (09022015). Collection method: clinical testing. Allele origin: germline.
Comment: This variant has not been reported in the literature in individuals with FANCL-related conditions. Algorithms developed to predict the effect of missense changes on protein structure and function are either unavailable or do not agree on the potential impact of this missense change (SIFT: "Tolerated"; PolyPhen-2: "Probably Damaging"; Align-GVGD: "Class C0"). This variant is not present in population databases (ExAC no frequency). This sequence change replaces glycine with valine at codon 122 of the FANCL protein (p.Gly122Val). The glycine residue is highly conserved and there is a moderate physicochemical difference between glycine and valine. In summary, the available evidence is currently insufficient to determine the role of this variant in disease. Therefore, it has been classified as a Variant of Uncertain Significance.